The following is an entry in ClinVar:

NM_002582.4(PARN):c.841-3T>A

Gene: PARN (poly(A)-specific ribonuclease; minus strand). Cytogenetic location: 16p13.12.
Variant type: single nucleotide variant.
Coding change: c.841-3T>A on transcript NM_002582.4 (MANE Select); 3 bases into the intron before coding-DNA position 841, T replaced by A.
Molecular consequence: intron variant.
Genome position (GRCh38, 1-based): chr16:14,593,381, A>T on the plus strand (T>A on the coding strand, the complement: PARN is on the minus strand). VCF-style: chr16-14593381-A-T. GRCh37 (hg19) VCF-style: chr16-14687238-A-T.
Other names: c.658-3T>A (NM_001134477.3); c.703-3T>A (NM_001242992.2).
Identifiers: ClinVar variation 3762630 (VCV003762630.2).
Genomic context (GRCh38, chr16:14,593,381, plus strand): 5'-ACTGATGAACTGTGTGCATGACGTCCAAGAGCATATTGTGTCCAATAACAAGTTTTCCCT[A>T]AAGAAAGTCAAGGTTAGAAAAAAGACTTCTACATTCGAAATTATACTGGGGTTTCAGAAT-3'

ClinVar aggregate classification (germline): Uncertain significance (1 of 4 stars; one submission).

Conditions:
Dyskeratosis congenita, autosomal recessive 6 (DKCB6). Identifiers: MedGen C4225356, MONDO:0014600, OMIM 616353.
Pulmonary fibrosis and/or bone marrow failure, Telomere-related, 4. Also called: PULMONARY FIBROSIS AND/OR BONE MARROW FAILURE SYNDROME, TELOMERE-RELATED, 4. Identifiers: Orphanet 2032, MedGen C4225347, MONDO:0014612, OMIM 616371.

gnomAD v4.1: 7 of 1,560,090 alleles (0.00045%); highest among the groups gnomAD compares: Non-Finnish European, 0.00062%; no homozygotes.

Submission:

Labcorp Genetics (formerly Invitae), Labcorp
Classification: Uncertain significance for Dyskeratosis congenita, autosomal recessive 6; Pulmonary fibrosis and/or bone marrow failure, Telomere-related, 4. Last evaluated: 2024-03-03. Review status: criteria provided, single submitter. Criteria: Invitae Variant Classification Sherloc (09022015). Collection method: clinical testing. Allele origin: germline.
Comment: This sequence change falls in intron 12 of the PARN gene. It does not directly change the encoded amino acid sequence of the PARN protein. It affects a nucleotide within the consensus splice site. This variant is not present in population databases (gnomAD no frequency). This variant has not been reported in the literature in individuals affected with PARN-related conditions. Variants that disrupt the consensus splice site are a relatively common cause of aberrant splicing (PMID: 17576681, 9536098). Algorithms developed to predict the effect of sequence changes on RNA splicing suggest that this variant may disrupt the consensus splice site. In summary, the available evidence is currently insufficient to determine the role of this variant in disease. Therefore, it has been classified as a Variant of Uncertain Significance.

Literature cited by the submitters: PubMed 17576681; PubMed 9536098.